The following is an entry in ClinVar:

ClinVar aggregate classification (germline): Conflicting classifications of pathogenicity. Review status: criteria provided, conflicting classifications (1 of 4 stars). 4 submissions from 4 submitters: Uncertain significance (2); Likely benign (1). 1 of the submissions does not count toward it. Last evaluated 2025-09-08.

Conditions:
Retinal dystrophy. Also called: Inherited retinal dystrophy. Identifiers: Orphanet 71862, MedGen C0854723, MeSH D058499, MONDO:0019118, HP:0000556.

Allele frequency attached by ClinVar (database versions not stated): TOPMed 0.00004; gnomAD exomes 0.00011 and 0.00012; ExAC 0.00014; gnomAD 0.00014 and 0.00015.

Submissions (4):

Labcorp Genetics (formerly Invitae), Labcorp
Classification: Uncertain significance. Last evaluated: 2025-09-08. Review status: criteria provided, single submitter. Criteria: Invitae Variant Classification Sherloc (09022015). Collection method: clinical testing. Allele origin: germline.
Comment: This sequence change replaces histidine, which is basic and polar, with tyrosine, which is neutral and polar, at codon 88 of the RP1L1 protein (p.His88Tyr). This variant is present in population databases (rs201171027, gnomAD 0.1%). This variant has not been reported in the literature in individuals affected with RP1L1-related conditions. ClinVar contains an entry for this variant (Variation ID: 1389208). Invitae Evidence Modeling of protein sequence and biophysical properties (such as structural, functional, and spatial information, amino acid conservation, physicochemical variation, residue mobility, and thermodynamic stability) has been performed for this missense variant. However, the output from this modeling did not meet the statistical confidence thresholds required to predict the impact of this variant on RP1L1 protein function. In summary, the available evidence is currently insufficient to determine the role of this variant in disease. Therefore, it has been classified as a Variant of Uncertain Significance.

Dept Of Ophthalmology, Nagoya University
Classification: Uncertain significance for Retinal dystrophy. Last evaluated: 2023-10-01. Review status: criteria provided, single submitter. Criteria: Submitter's publication. Collection method: research. Allele origin: germline. Affected: yes.

Blueprint Genetics
Classification: Likely benign. Last evaluated: 2023-04-05. Review status: criteria provided, single submitter. Criteria: ACMG Guidelines, 2015. Collection method: clinical testing. Allele origin: germline.

Institute of Human Genetics, Univ. Regensburg, Univ. Regensburg
Classification: Uncertain significance for Retinal dystrophy. Last evaluated: 2022-01-01. Review status: no assertion criteria provided. Criteria: ACMG Guidelines, 2015. Collection method: clinical testing. Allele origin: germline. Affected: yes. Not counted in ClinVar's aggregate classification.

NM_178857.6(RP1L1):c.262C>T (p.His88Tyr)

Gene: RP1L1 (RP1 like 1). Cytogenetic location: 8p23.1.
Variant type: single nucleotide variant.
Coding change: c.262C>T on transcript NM_178857.6 (MANE Select); coding-DNA position 262, C replaced by T.
Protein change: p.His88Tyr; replaces histidine 88 with tyrosine.
Molecular consequence: missense variant.
Genome position (GRCh38, 1-based): chr8:10,622,940, G>A on the plus strand (C>T on the coding strand, the complement: RP1L1 is on the minus strand). VCF-style: chr8-10622940-G-A. GRCh37 (hg19) VCF-style: chr8-10480450-G-A.
Other names: short protein forms H88Y.
Identifiers: ClinVar variation 1389208 (VCV001389208.9), dbSNP rs201171027, ClinGen allele CA4625785.
Genomic context (GRCh38, chr8:10,622,940, plus strand): 5'-TCTTATCAGAGCAGAGGTAGCAGCCTCCATCTTCCAGCTGCTCCAGGGCGCTGAGGCTAT[G>A]CAGGCCCCGGGGTGTGGTGACAGAGCGCACCCCAAAGGAGAGAGGCACGCGCTGGGAGAG-3'
Protein context (NP_849188.4, residues 78-98): VRSVTTPRGL[His88Tyr]SLSALEQLED